The following is an entry in ClinVar:

ClinVar aggregate classification (germline): Conflicting classifications of pathogenicity. Review status: criteria provided, conflicting classifications (1 of 4 stars). 7 submissions from 7 submitters: Uncertain significance (4); Likely benign (3). Last evaluated 2026-09-21.

Conditions:
TTN-related disorder. Also called: TTN-related condition; TTN-related disease; TTN-related disorders.
Cardiovascular phenotype. Identifiers: MedGen CN230736.
Cardiomyopathy (CMYO). Also called: Cardiomyopathies. Identifiers: Orphanet 167848, MedGen C0878544, MONDO:0004994, HP:0001638. Inheritance: Various modes of inheritance.

Allele frequency attached by ClinVar (database versions not stated): gnomAD exomes 0.00004; ExAC 0.00005; gnomAD 0.00010 and 0.00012; TOPMed 0.00012.
gnomAD v4.1: 46 of 1,612,922 alleles (0.0029%); highest among the groups gnomAD compares: African/African-American, 0.016%; no homozygotes.

Submissions (7):

PreventionGenetics, part of Exact Sciences
Classification: Uncertain significance for TTN-related condition. Last evaluated: 2026-09-21. Review status: criteria provided, single submitter. Criteria: ACMG Guidelines, 2015. Collection method: clinical testing. Allele origin: germline.
Comment: The TTN c.43244G>A variant is predicted to result in the amino acid substitution p.Ser14415Asn. This variant has been reported as a variant of uncertain significance in an individual with hypertrophic cardiomyopathy (described as p.Ser11847Asn from transcript NM_133378, Online supplementary file 2, van Lint et al. 2019. PubMed ID: 30847666). This variant is reported in 0.029% of alleles in individuals of African descent in gnomAD and has conflicting interpretations in ClinVar ranging from likely benign to uncertain (Variation ID: 46966). At this time, the clinical significance of this variant is uncertain due to the absence of conclusive functional and genetic evidence.

Women's Health and Genetics/Laboratory Corporation of America, LabCorp
Classification: Uncertain significance. Last evaluated: 2026-03-18. Review status: criteria provided, single submitter. Criteria: LabCorp Variant Classification Summary - May 2015. Collection method: clinical testing. Allele origin: germline.
Comment: Variant summary: TTN c.35540G>A (p.Ser11847Asn) results in a conservative amino acid change located in the I-band region of the encoded protein sequence. Algorithms developed to predict the effect of missense changes on protein structure and function are either unavailable or do not agree on the potential impact of this missense change. The variant allele was found at a frequency of 4.4e-05 in 247618 control chromosomes. This frequency is not significantly higher than estimated for disease-causing variants in TTN, allowing no conclusion about variant significance. c.35540G>A has been reported in the literature in an individual affected with Dilated Cardiomyopathy (van Lint_2019). This report does not provide unequivocal conclusions about association of the variant with Dilated Cardiomyopathy. To our knowledge, no experimental evidence demonstrating an impact on protein function has been reported. The following publication have been ascertained in the context of this evaluation (PMID: 30847666). ClinVar contains an entry for this variant (Variation ID: 46966). Based on the evidence outlined above, the variant was classified as uncertain significance.

Revvity Omics, Revvity
Classification: Uncertain significance. Last evaluated: 2025-01-08. Review status: criteria provided, single submitter. Criteria: ACMG Guidelines, 2015. Collection method: clinical testing. Allele origin: germline.

CHEO Genetics Diagnostic Laboratory, Children's Hospital of Eastern Ontario
Classification: Likely benign for Cardiomyopathy. Last evaluated: 2023-04-03. Review status: criteria provided, single submitter. Criteria: ACMG Guidelines, 2015. Collection method: clinical testing. Allele origin: germline. Study: Canadian Open Genetics Repository.

Ambry Genetics
Classification: Likely benign for Cardiovascular phenotype. Last evaluated: 2019-06-18. Review status: criteria provided, single submitter. Criteria: Ambry Variant Classification Scheme 2023. Collection method: clinical testing. Allele origin: germline.

GeneDx
Classification: Likely benign. Last evaluated: 2018-06-07. Review status: criteria provided, single submitter. Criteria: GeneDx Variant Classification (06012015). Collection method: clinical testing. Allele origin: germline. Affected: yes.
Comment: This variant is considered likely benign or benign based on one or more of the following criteria: it is a conservative change, it occurs at a poorly conserved position in the protein, it is predicted to be benign by multiple in silico algorithms, and/or has population frequency not consistent with disease.

Laboratory for Molecular Medicine, Mass General Brigham Personalized Medicine
Classification: Uncertain significance. Last evaluated: 2011-12-19. Review status: criteria provided, single submitter. Criteria: LMM Criteria. Collection method: clinical testing. Allele origin: germline. Observed: 1 variant allele.
Comment: Serine (Ser) at position 11847 is moderately conserved a cross evolutionarily distant species and this information is insufficient to pre dict if a change would impact the protein. Computational predictions on the impa ct to the protein are mixed (AlignGVGD = inconclusive, SIFT = pathogenic), thoug h the accuracy of these tools is unknown. Additional information is needed to f ully assess the clinical significance of the Ser11847Asn variant.

Literature cited by the submitters: PubMed 30847666 (cited by Women's Health and Genetics/Laboratory Corporation of America, LabCorp).

NM_001267550.2(TTN):c.43244G>A (p.Ser14415Asn)

Gene: TTN (titin; minus strand). Cytogenetic location: 2q31.2.
Variant type: single nucleotide variant.
Coding change: c.43244G>A on transcript NM_001267550.2 (MANE Select); coding-DNA position 43244, G replaced by A.
Protein change: p.Ser14415Asn; replaces serine 14415 with asparagine.
Molecular consequence: missense variant.
Genome position (GRCh38, 1-based): chr2:178,632,762, C>T on the plus strand (G>A on the coding strand, the complement: TTN is on the minus strand). VCF-style: chr2-178632762-C-T. GRCh37 (hg19) VCF-style: chr2-179497489-C-T.
Other names: c.38321G>A, p.Ser12774Asn (NM_001256850.1); c.35540G>A, p.Ser11847Asn (NM_133378.4); c.16049G>A, p.Ser5350Asn (NM_003319.4); c.16424G>A, p.Ser5475Asn (NM_133432.3); c.16625G>A, p.Ser5542Asn (NM_133437.4); short protein forms S14415N, S11847N, S12774N, S5475N, S5542N, S5350N.
Identifiers: ClinVar variation 46966 (VCV000046966.16), dbSNP rs370342831, ClinGen allele CA139657.